The following is an entry in ClinVar:

ClinVar aggregate classification (germline): Uncertain significance (1 of 4 stars; one submission).

Conditions:
Hypertrophic cardiomyopathy. Also called: HYPERTROPHIC MYOCARDIOPATHY. Identifiers: Orphanet 217569, MedGen C0007194, MeSH D002312, MONDO:0005045, HP:0001639.

Submission:

Labcorp Genetics (formerly Invitae), Labcorp
Classification: Uncertain significance for Hypertrophic cardiomyopathy. Last evaluated: 2025-07-21. Review status: criteria provided, single submitter. Criteria: Invitae Variant Classification Sherloc (09022015). Collection method: clinical testing. Allele origin: germline.
Comment: This sequence change replaces valine, which is neutral and non-polar, with proline, which is neutral and non-polar, at codon 22 of the MYOM1 protein (p.Val22Pro). Information on the frequency of this variant in the gnomAD database is not available, as this variant may be reported differently in the database. This variant has not been reported in the literature in individuals affected with MYOM1-related conditions. ClinVar contains an entry for this variant (Variation ID: 862697). An algorithm developed to predict the effect of missense changes on protein structure and function (PolyPhen-2) suggests that this variant is likely to be tolerated. In summary, the available evidence is currently insufficient to determine the role of this variant in disease. Therefore, it has been classified as a Variant of Uncertain Significance.

NM_003803.4(MYOM1):c.64_66delinsCCC (p.Val22Pro)

Gene: MYOM1 (myomesin 1; minus strand). Cytogenetic location: 18p11.31.
Variant type: Indel.
Coding change: c.64_66delinsCCC on transcript NM_003803.4 (MANE Select); coding-DNA positions 64 to 66, GTG replaced by CCC.
Protein change: p.Val22Pro; replaces valine 22 with proline.
Molecular consequence: missense variant.
Genome position (GRCh38, 1-based): chr18:3,215,158-3,215,160, CAC replaced by GGG on the plus strand (GTG replaced by CCC on the coding strand, the reverse complement: MYOM1 is on the minus strand). VCF-style: chr18-3215158-CAC-GGG. GRCh37 (hg19) VCF-style: chr18-3215156-CAC-GGG.
Other names: c.64_66delinsCCC, p.Val22Pro (NM_019856.2); short protein forms V22P.
Identifiers: ClinVar variation 862697 (VCV000862697.9), dbSNP rs386800438, ClinGen allele CA916081928.
Genomic context (GRCh38, chr18:3,215,158, plus strand): 5'-GCCCTGGGTGTAGACGGCGGAGCGTTTCTTCTCCCGCTGGTAGTGACTCACGGTGCTGCG[CAC>GGG]GTCCTTGTTGCGGTAGCTGAGATCATAGTGCTGGTGGCACCTCTGATAAAAAGGCAAAGA-3'
Protein context (NP_003794.3, residues 12-32): HYDLSYRNKD[Val22Pro]RSTVSHYQRE